The following is an entry in ClinVar:

ClinVar aggregate classification (germline): Uncertain significance (1 of 4 stars; one submission).

Conditions:
Methylmalonic acidemia due to transcobalamin receptor defect (MATR). Also called: METHYLMALONIC ACIDURIA, TRANSIENT, DUE TO TRANSCOBALAMIN RECEPTOR DEFECT; METHYLMALONIC ACIDEMIA, TCblR TYPE. Identifiers: Orphanet 280183, MedGen C4749905, MONDO:0013341, OMIM 613646.

Submission:

Labcorp Genetics (formerly Invitae), Labcorp
Classification: Uncertain significance for Methylmalonic acidemia due to transcobalamin receptor defect. Last evaluated: 2023-06-15. Review status: criteria provided, single submitter. Criteria: Invitae Variant Classification Sherloc (09022015). Collection method: clinical testing. Allele origin: germline.
Comment: This sequence change creates a premature translational stop signal (p.Leu66Glnfs*11) in the CD320 gene. It is expected to result in an absent or disrupted protein product. However, the current clinical and genetic evidence is not sufficient to establish whether loss-of-function variants in CD320 cause disease. This variant is present in population databases (no rsID available, gnomAD 0.0009%). This variant has not been reported in the literature in individuals affected with CD320-related conditions. In summary, the available evidence is currently insufficient to determine the role of this variant in disease. Therefore, it has been classified as a Variant of Uncertain Significance.

NM_016579.4(CD320):c.195_223del (p.Leu66fs)

Gene: CD320 (CD320 molecule; minus strand). Cytogenetic location: 19p13.2.
Variant type: Deletion.
Coding change: c.195_223del on transcript NM_016579.4 (MANE Select); coding-DNA positions 195 to 223, 29 bases deleted (CTTATGCGTGCCCCTCACCTGGCGCTGCG).
Protein change: p.Leu66fs; shifts the reading frame from leucine 66.
Molecular consequence: frameshift variant. On other transcripts: intron variant (1).
Genome position (GRCh38, 1-based): chr19:8,305,076-8,305,104, CGCAGCGCCAGGTGAGGGGCACGCATAAG deleted on the plus strand (CTTATGCGTGCCCCTCACCTGGCGCTGCG on the coding strand, the reverse complement: CD320 is on the minus strand); deleting any 29 consecutive bases within chr19:8,305,076-8,305,105 gives the same sequence; the c. name uses the placement nearest the transcript's 3' end. VCF-style (leftmost placement, unchanged base first): chr19-8305075-TCGCAGCGCCAGGTGAGGGGCACGCATAAG-T. GRCh37 (hg19) VCF-style: chr19-8369959-TCGCAGCGCCAGGTGAGGGGCACGCATAAG-T.
Other names: c.143-1016_143-988del (NM_001165895.2); short protein forms L66fs.
Identifiers: ClinVar variation 2883065 (VCV002883065.3), dbSNP rs1359270715, ClinGen allele CA631355068.